The following is an entry in ClinVar:

ClinVar aggregate classification (germline): Uncertain significance (1 of 4 stars; one submission).

Allele frequency attached by ClinVar (database versions not stated): gnomAD 0.00001; TOPMed 0.00001.
gnomAD v4.1: 2 of 1,613,600 alleles (0.00012%); highest among the groups gnomAD compares: African/African-American, 0.0027%; no homozygotes.

Submission:

Ambry Genetics
Classification: Uncertain significance. Last evaluated: 2023-06-15. Review status: criteria provided, single submitter. Criteria: Ambry Variant Classification Scheme 2023. Collection method: clinical testing. Allele origin: germline.
Comment: The p.E233K variant (also known as c.697G>A), located in coding exon 1 of the PALLD gene, results from a G to A substitution at nucleotide position 697. The glutamic acid at codon 233 is replaced by lysine, an amino acid with similar properties. This amino acid position is conserved. In addition, this alteration is predicted to be tolerated by in silico analysis. Since supporting evidence is limited at this time, the clinical significance of this alteration remains unclear.

NM_001166108.2(PALLD):c.697G>A (p.Glu233Lys)

Gene: PALLD (palladin, cytoskeletal associated protein; plus strand). Cytogenetic location: 4q32.3.
Variant type: single nucleotide variant.
Coding change: c.697G>A on transcript NM_001166108.2 (MANE Select); coding-DNA position 697, G replaced by A.
Protein change: p.Glu233Lys; replaces glutamic acid 233 with lysine.
Molecular consequence: missense variant.
Genome position (GRCh38, 1-based): chr4:168,512,201, G>A. VCF-style: chr4-168512201-G-A. GRCh37 (hg19) VCF-style: chr4-169433352-G-A.
Other names: c.697G>A, p.Glu233Lys (NM_016081.4); short protein forms E233K.
Identifiers: ClinVar variation 2623000 (VCV002623000.2), dbSNP rs745390330, ClinGen allele CA358727968.